The following is an entry in ClinVar:

ClinVar aggregate classification (germline): Uncertain significance (1 of 4 stars; one submission).

gnomAD v4.1: 2 of 1,614,082 alleles (0.00012%); highest among the groups gnomAD compares: Admixed American, 0.0033%; no homozygotes.

Submission:

Labcorp Genetics (formerly Invitae), Labcorp
Classification: Uncertain significance. Last evaluated: 2025-04-22. Review status: criteria provided, single submitter. Criteria: Invitae Variant Classification Sherloc (09022015). Collection method: clinical testing. Allele origin: germline.
Comment: This sequence change replaces proline, which is neutral and non-polar, with serine, which is neutral and polar, at codon 638 of the HYOU1 protein (p.Pro638Ser). This variant is not present in population databases (gnomAD no frequency). This variant has not been reported in the literature in individuals affected with HYOU1-related conditions. ClinVar contains an entry for this variant (Variation ID: 3621176). An algorithm developed to predict the effect of missense changes on protein structure and function outputs the following: PolyPhen-2: "Benign". The serine amino acid residue is found in multiple mammalian species, which suggests that this missense change does not adversely affect protein function. In summary, the available evidence is currently insufficient to determine the role of this variant in disease. Therefore, it has been classified as a Variant of Uncertain Significance.

NM_006389.5(HYOU1):c.1912C>T (p.Pro638Ser)

Gene: HYOU1 (hypoxia up-regulated 1; minus strand). Cytogenetic location: 11q23.3.
Variant type: single nucleotide variant.
Coding change: c.1912C>T on transcript NM_006389.5 (MANE Select); coding-DNA position 1912, C replaced by T.
Protein change: p.Pro638Ser; replaces proline 638 with serine.
Molecular consequence: missense variant.
Genome position (GRCh38, 1-based): chr11:119,049,098, G>A on the plus strand (C>T on the coding strand, the complement: HYOU1 is on the minus strand). VCF-style: chr11-119049098-G-A. GRCh37 (hg19) VCF-style: chr11-118919810-G-A.
Other names: c.1912C>T, p.Pro638Ser (NM_001130991.3, NM_001411041.1); short protein forms P638S.
Identifiers: ClinVar variation 3621176 (VCV003621176.2).